The following is an entry in ClinVar:

ClinVar aggregate classification (germline): Uncertain significance (1 of 4 stars; one submission).

Allele frequency attached by ClinVar (database versions not stated): ExAC 0.00001; gnomAD exomes 0.00001; TOPMed 0.00001.
gnomAD v4.1: 12 of 1,613,414 alleles (0.00074%); highest among the groups gnomAD compares: Non-Finnish European, 0.00093%; no homozygotes.

Submission:

Labcorp Genetics (formerly Invitae), Labcorp
Classification: Uncertain significance. Last evaluated: 2022-07-26. Review status: criteria provided, single submitter. Criteria: Invitae Variant Classification Sherloc (09022015). Collection method: clinical testing. Allele origin: germline.
Comment: This sequence change falls in intron 27 of the USH2A gene. It does not directly change the encoded amino acid sequence of the USH2A protein. It affects a nucleotide within the consensus splice site. This variant is present in population databases (rs745400553, gnomAD 0.0009%). This variant has not been reported in the literature in individuals affected with USH2A-related conditions. Variants that disrupt the consensus splice site are a relatively common cause of aberrant splicing (PMID: 17576681, 9536098). Algorithms developed to predict the effect of sequence changes on RNA splicing suggest that this variant may disrupt the consensus splice site. In summary, the available evidence is currently insufficient to determine the role of this variant in disease. Therefore, it has been classified as a Variant of Uncertain Significance.

Literature cited by the submitters: PubMed 17576681; PubMed 9536098.

NM_206933.4(USH2A):c.5572+5G>A

Genes: USH2A (usherin; minus strand), USH2A-AS2 (USH2A antisense RNA 2; plus strand). Cytogenetic location: 1q41.
Variant type: single nucleotide variant.
Coding change: c.5572+5G>A on transcript NM_206933.4 (MANE Select); 5 bases into the intron after coding-DNA position 5572, G replaced by A.
Molecular consequence: intron variant.
Genome position (GRCh38, 1-based): chr1:216,078,084, C>T on the plus strand (G>A on the coding strand, the complement: USH2A is on the minus strand). VCF-style: chr1-216078084-C-T. GRCh37 (hg19) VCF-style: chr1-216251426-C-T.
Identifiers: ClinVar variation 1902040 (VCV001902040.2), dbSNP rs745400553, ClinGen allele CA1395426.